The following is an entry in ClinVar:

ClinVar aggregate classification (germline): Uncertain significance. Review status: criteria provided, multiple submitters, no conflicts (2 of 4 stars). 2 submissions from 2 submitters: Uncertain significance (2). Last evaluated 2025-04-25.

Conditions:
Hereditary cancer-predisposing syndrome. Also called: Hereditary Cancer Syndrome; Hereditary neoplastic syndrome; Neoplastic Syndromes, Hereditary; Tumor predisposition. Identifiers: Orphanet 140162, MedGen C0027672, MeSH D009386, MONDO:0015356.
Neurofibromatosis, type 2 (SWNV). Also called: SCHWANNOMATOSIS, VESTIBULAR; NF2-Related Schwannomatosis; BILATERAL ACOUSTIC NEUROFIBROMATOSIS. Identifiers: Orphanet 637, MedGen C0027832, MONDO:0007039, OMIM 101000. Disease mechanism: loss of function.

Submissions (2):

Ambry Genetics
Classification: Uncertain significance for Hereditary cancer-predisposing syndrome. Last evaluated: 2025-04-25. Review status: criteria provided, single submitter. Criteria: Ambry Variant Classification Scheme 2023. Collection method: clinical testing. Allele origin: germline.
Comment: The p.L299V variant (also known as c.895C>G), located in coding exon 10 of the NF2 gene, results from a C to G substitution at nucleotide position 895. The leucine at codon 299 is replaced by valine, an amino acid with highly similar properties. This amino acid position is conserved. In addition, this alteration is predicted to be deleterious by in silico analysis. Based on the available evidence, the clinical significance of this variant remains unclear.

Labcorp Genetics (formerly Invitae), Labcorp
Classification: Uncertain significance for Neurofibromatosis, type 2. Last evaluated: 2022-10-07. Review status: criteria provided, single submitter. Criteria: Invitae Variant Classification Sherloc (09022015). Collection method: clinical testing. Allele origin: germline.
Comment: In summary, the available evidence is currently insufficient to determine the role of this variant in disease. Therefore, it has been classified as a Variant of Uncertain Significance. Advanced modeling of protein sequence and biophysical properties (such as structural, functional, and spatial information, amino acid conservation, physicochemical variation, residue mobility, and thermodynamic stability) performed at Invitae indicates that this missense variant is expected to disrupt NF2 protein function. This variant has not been reported in the literature in individuals affected with NF2-related conditions. This variant is not present in population databases (gnomAD no frequency). This sequence change replaces leucine, which is neutral and non-polar, with valine, which is neutral and non-polar, at codon 299 of the NF2 protein (p.Leu299Val).

NM_000268.4(NF2):c.895C>G (p.Leu299Val)

Gene: NF2 (NF2, moesin-ezrin-radixin like (MERLIN) tumor suppressor; plus strand). Cytogenetic location: 22q12.2.
Variant type: single nucleotide variant.
Coding change: c.895C>G on transcript NM_000268.4 (MANE Select); coding-DNA position 895, C replaced by G.
Protein change: p.Leu299Val; replaces leucine 299 with valine.
Molecular consequence: missense variant. On other transcripts: non-coding transcript variant (1), intron variant (1).
Genome position (GRCh38, 1-based): chr22:29,668,342, C>G. VCF-style: chr22-29668342-C-G. GRCh37 (hg19) VCF-style: chr22-30064331-C-G.
Other names: c.781C>G, p.Leu261Val (NM_001407053.1, NM_001407056.1); c.772C>G, p.Leu258Val (NM_001407054.1, NM_181829.3, NM_001407058.1); c.769C>G, p.Leu257Val (NM_001407055.1, NM_181828.3); c.895C>G, p.Leu299Val (NM_016418.5, NM_181825.3, NM_181832.3 and 2 more transcripts); c.646C>G, p.Leu216Val (NM_181830.3, NM_181831.3, NM_001407063.1 and 1 more transcripts); c.447+26057C>G (NM_181833.3); c.760C>G, p.Leu254Val (NM_001407057.1, NM_001407059.1); c.637C>G, p.Leu213Val (NM_001407062.1); and 2 more; short protein forms L121V, L213V, L216V, L222V, L254V, L257V, L258V, L261V.
Identifiers: ClinVar variation 1721051 (VCV001721051.7), dbSNP rs2518644931, ClinGen allele CA411145572.